The following is an entry in ClinVar:

ClinVar aggregate classification (germline): Pathogenic (1 of 4 stars; one submission).

Submission:

Labcorp Genetics (formerly Invitae), Labcorp
Classification: Pathogenic. Last evaluated: 2023-11-17. Review status: criteria provided, single submitter. Criteria: Invitae Variant Classification Sherloc (09022015). Collection method: clinical testing. Allele origin: germline.
Comment: This sequence change creates a premature translational stop signal (p.Tyr207*) in the ASAH1 gene. It is expected to result in an absent or disrupted protein product. Loss-of-function variants in ASAH1 are known to be pathogenic (PMID: 24164096, 24355074). This variant is not present in population databases (gnomAD no frequency). This variant has not been reported in the literature in individuals affected with ASAH1-related conditions. Algorithms developed to predict the effect of sequence changes on RNA splicing suggest that this variant may disrupt the consensus splice site. For these reasons, this variant has been classified as Pathogenic.

Literature cited by the submitters: PubMed 24164096; PubMed 24355074.

NM_177924.5(ASAH1):c.621T>A (p.Tyr207Ter)

Gene: ASAH1 (N-acylsphingosine amidohydrolase 1; minus strand). Cytogenetic location: 8p22.
Variant type: single nucleotide variant.
Coding change: c.621T>A on transcript NM_177924.5 (MANE Select); coding-DNA position 621, T replaced by A.
Protein change: p.Tyr207Ter; replaces tyrosine 207 with a stop codon.
Molecular consequence: nonsense.
Genome position (GRCh38, 1-based): chr8:18,062,306, A>T on the plus strand (T>A on the coding strand, the complement: ASAH1 is on the minus strand). VCF-style: chr8-18062306-A-T. GRCh37 (hg19) VCF-style: chr8-17919815-A-T.
Other names: c.603T>A, p.Tyr201Ter (NM_001127505.3); c.426T>A, p.Tyr142Ter (NM_001363743.2); c.669T>A, p.Tyr223Ter (NM_004315.6); short protein forms Y223*, Y142*, Y201*, Y207*.
Identifiers: ClinVar variation 2696690 (VCV002696690.3), dbSNP rs1470290170, ClinGen allele CA370429894.